The following is an entry in ClinVar:

NM_032217.5(ANKRD17):c.2590_2591del (p.Lys864fs)

Gene: ANKRD17 (ankyrin repeat domain 17; minus strand). Cytogenetic location: 4q13.3.
Variant type: Deletion.
Coding change: c.2590_2591del on transcript NM_032217.5 (MANE Select); coding-DNA positions 2590 to 2591, 2 bases deleted (AA; older notation c.2590_2591delAA).
Protein change: p.Lys864fs; shifts the reading frame from lysine 864.
Molecular consequence: frameshift variant. On other transcripts: intron variant (1).
Genome position (GRCh38, 1-based): chr4:73,140,025-73,140,026, TT deleted on the plus strand (AA on the coding strand, the reverse complement: ANKRD17 is on the minus strand); deleting any 2 consecutive bases within chr4:73,140,025-73,140,028 gives the same sequence; the c. name uses the placement nearest the transcript's 3' end. VCF-style (leftmost placement, unchanged base first): chr4-73140024-CTT-C. GRCh37 (hg19) VCF-style: chr4-74005741-CTT-C.
Other names: c.2251_2252del, p.Lys751fs (NM_001286771.3); c.2590_2591del, p.Lys864fs (NM_015574.2); c.2332+1715_2332+1716del (NM_198889.3); short protein forms K751fs, K864fs.
Identifiers: ClinVar variation 2578433 (VCV002578433.3), dbSNP rs2530971773, ClinGen allele CA2580617618.

ClinVar aggregate classification (germline): Likely pathogenic (1 of 4 stars; one submission).

Conditions:
Chopra-Amiel-Gordon syndrome (CAGS). Also called: ANKRD17-Related Neurodevelopmental Syndrome. Identifiers: MedGen C5561975, MONDO:0859186, OMIM 619504.

Submission:

Institute of Human Genetics, University of Leipzig Medical Center
Classification: Likely pathogenic for Chopra-Amiel-Gordon syndrome. Last evaluated: 2023-08-11. Review status: criteria provided, single submitter. Criteria: ACMG Guidelines, 2015. Collection method: clinical testing. Allele origin: maternal. Inheritance: Autosomal dominant inheritance. Affected: yes.
Comment: Criteria applied: PVS1,PM2_SUP